The following is an entry in ClinVar:

NM_001035.3(RYR2):c.12160_12162dup (p.Ser4054_His4055insSer)

Gene: RYR2 (ryanodine receptor 2; plus strand). Cytogenetic location: 1q43.
Variant type: Duplication.
Coding change: c.12160_12162dup on transcript NM_001035.3 (MANE Select); coding-DNA positions 12160 to 12162, 3 bases duplicated (AGC; older notation c.12160_12162dupAGC).
Protein change: p.Ser4054_His4055insSer.
Molecular consequence: inframe insertion.
Genome position (GRCh38, 1-based): chr1:237,783,872-237,783,874, AGC duplicated. VCF-style (leftmost placement, unchanged base first): chr1-237783871-G-GAGC. GRCh37 (hg19) VCF-style: chr1-237947171-G-GAGC.
Identifiers: ClinVar variation 4759093 (VCV004759093.1).

ClinVar aggregate classification (germline): Uncertain significance (1 of 4 stars; one submission).

Conditions:
Cardiomyopathy (CMYO). Also called: Cardiomyopathies. Identifiers: Orphanet 167848, MedGen C0878544, MONDO:0004994, HP:0001638. Inheritance: Various modes of inheritance.

Submission:

Color Diagnostics, LLC DBA Color Health
Classification: Uncertain significance for Cardiomyopathy. Last evaluated: 2025-07-21. Review status: criteria provided, single submitter. Criteria: ACMG Guidelines, 2015. Collection method: clinical testing. Allele origin: germline.
Comment: This variant causes an in-frame duplication of one amino acid at exon 90 of the RYR2 protein. To our knowledge, functional studies have not been reported for this variant. This variant has not been reported in individuals affected with RYR2-related disorders in the literature. This variant has not been identified in the general population by the Genome Aggregation Database (gnomAD). The available evidence is insufficient to determine the role of this variant in disease conclusively. Therefore, this variant is classified as a Variant of Uncertain Significance.